The following is an entry in ClinVar:

ClinVar aggregate classification (germline): Conflicting classifications of pathogenicity. Review status: criteria provided, conflicting classifications (1 of 4 stars). 6 submissions from 6 submitters: Likely pathogenic (2); Uncertain significance (3). 1 of the submissions does not count toward it. Last evaluated 2025-08-29.

Conditions:
COL4A2-related disorder. Also called: COL4A2-related disorders; COL4A2-related condition.
Brain small vessel disease 2A, autosomal dominant. Also called: Porencephaly 2. Identifiers: Orphanet 2940, Orphanet 99810, MedGen C3280970, MONDO:0013773, OMIM 614483.

Allele frequency attached by ClinVar (database versions not stated): gnomAD exomes below 0.00001; gnomAD 0.00001; TOPMed 0.00005.
gnomAD v4.1: 10 of 1,611,858 alleles (0.00062%); highest among the groups gnomAD compares: Admixed American, 0.005%; no homozygotes.

Submissions (6):

Variantyx, Inc.
Classification: Likely pathogenic for Brain small vessel disease 2A, autosomal dominant. Last evaluated: 2025-08-29. Review status: criteria provided, single submitter. Criteria: Variantyx Assertion Criteria 2022. Collection method: clinical testing. Allele origin: germline. Inheritance: Autosomal dominant inheritance. Affected: yes.
Comment: This is a canonical splicing variant in the COL4A2 gene (OMIM: 120090). Pathogenic variants in this gene have been associated with autosomal dominant brain small vessel disease 2. This splicing variant is expected to result in loss of function, which is a known disease mechanism for COL4A2 in this disorder (PMID: 22333902, 30315939, 30315939) (PVS1). It has a 0.0050% maximum allele frequency in non-founder control populations (PM2). Inheritance from an unaffected or mildly affected parent has been reported in the COL4A2 gene, consistent with incomplete penetrance and/or variable expressivity for autosomal dominant brain small vessel disease 2 (PMID: 22209246). Based on the current evidence, this variant is classified as likely pathogenic for autosomal dominant brain small vessel disease 2.

Revvity Omics, Revvity
Classification: Uncertain significance for Brain small vessel disease 2A, autosomal dominant. Last evaluated: 2024-08-22. Review status: criteria provided, single submitter. Criteria: ACMG Guidelines, 2015. Collection method: clinical testing. Allele origin: germline.

Labcorp Genetics (formerly Invitae), Labcorp
Classification: Likely pathogenic. Last evaluated: 2023-12-11. Review status: criteria provided, single submitter. Criteria: Invitae Variant Classification Sherloc (09022015). Collection method: clinical testing. Allele origin: germline.
Comment: This sequence change affects a donor splice site in intron 24 of the COL4A2 gene. It is expected to disrupt RNA splicing. Variants that disrupt the donor or acceptor splice site typically lead to a loss of protein function (PMID: 16199547), and loss-of-function variants in COL4A2 are known to be pathogenic (PMID: 22333902, 30315939). The frequency data for this variant in the population databases is considered unreliable, as metrics indicate poor data quality at this position in the gnomAD database. Disruption of this splice site has been observed in individual(s) with COL4A2-related conditions (PMID: 30315939). ClinVar contains an entry for this variant (Variation ID: 265530). Algorithms developed to predict the effect of sequence changes on RNA splicing suggest that this variant may disrupt the consensus splice site. In summary, the currently available evidence indicates that the variant is pathogenic, but additional data are needed to prove that conclusively. Therefore, this variant has been classified as Likely Pathogenic.

PreventionGenetics, part of Exact Sciences
Classification: Uncertain significance for COL4A2-related condition. Last evaluated: 2023-06-22. Review status: criteria provided, single submitter. Criteria: ACMG Guidelines, 2015. Collection method: clinical testing. Allele origin: germline.
Comment: The COL4A2 c.1776+1G>A variant is predicted to disrupt the GT donor site and interfere with normal splicing. This variant was reported in an individual with schizencephaly (Cavallin et al 2018. PubMed ID: 30315939). This variant is reported in 0.0029% of alleles in individuals of Latino descent in gnomAD. Although we suspect that this variant may be pathogenic, at this time, the clinical significance of this variant is uncertain due to the absence of conclusive functional and genetic evidence.

GeneDx
Classification: Uncertain significance. Last evaluated: 2018-09-27. Review status: criteria provided, single submitter. Criteria: GeneDx Variant Classification (06012015). Collection method: clinical testing. Allele origin: germline. Affected: yes.
Comment: The c.1776+1G>A variant in the COL4A2 gene has not been reported previously as a pathogenic variant nor as a benign variant, to our knowledge. This splice site variant destroys the canonical splice donor site in intron 24. It is predicted to cause abnormal gene splicing, either leading to an abnormal message that is subject to nonsense-mediated mRNA decay, or to an abnormal protein product if the message is used for protein translation. The c.1776+1G>A variant was not observed in approximately 6,100 individuals of European and African American ancestry in the NHLBI Exome Sequencing Project, indicating it is not a common benign variant in these populations. Therefore, based on the currently available information, it is unclear whether this variant is a pathogenic variant or a rare benign variant.

OMIM
Classification: Pathogenic for BRAIN SMALL VESSEL DISEASE 2A, AUTOSOMAL DOMINANT. Last evaluated: 2025-11-20. Review status: no assertion criteria provided. Collection method: literature only. Allele origin: germline. Not counted in ClinVar's aggregate classification.

Literature cited by the submitters: PubMed 22333902 (cited by Variantyx, Inc. and Labcorp Genetics (formerly Invitae), Labcorp); PubMed 30315939 (cited by 3 submitters); PubMed 16199547 (cited by Labcorp Genetics (formerly Invitae), Labcorp).

NM_001846.4(COL4A2):c.1776+1G>A

Genes: COL4A2 (collagen type IV alpha 2 chain; plus strand), COL4A2-AS2 (COL4A2 antisense RNA 2; minus strand). Cytogenetic location: 13q34.
Variant type: single nucleotide variant.
Coding change: c.1776+1G>A on transcript NM_001846.4 (MANE Select); the canonical splice donor site of the intron after coding-DNA position 1776, G replaced by A.
Molecular consequence: splice donor variant.
Genome position (GRCh38, 1-based): chr13:110,462,385, G>A. VCF-style: chr13-110462385-G-A. GRCh37 (hg19) VCF-style: chr13-111114732-G-A.
Other names: IVS24DS, G-A, +1; c.1776+1G>A (NM_001846.3).
Identifiers: ClinVar variation 265530 (VCV000265530.12), dbSNP rs886039602, ClinGen allele CA10588558.